The following is an entry in ClinVar:

ClinVar aggregate classification (germline): Uncertain significance. Review status: criteria provided, multiple submitters, no conflicts (2 of 4 stars). 2 submissions from 2 submitters: Uncertain significance (2). Last evaluated 2025-05-23.

Conditions:
Inborn genetic diseases. Identifiers: MedGen C0950123, MeSH D030342.

Allele frequency attached by ClinVar (database versions not stated): TOPMed below 0.00001; gnomAD 0.00001; gnomAD exomes 0.00002.

Submissions (2):

Ambry Genetics
Classification: Uncertain significance for Inborn genetic diseases. Last evaluated: 2025-05-23. Review status: criteria provided, single submitter. Criteria: Ambry Variant Classification Scheme 2023. Collection method: clinical testing. Allele origin: germline.

Labcorp Genetics (formerly Invitae), Labcorp
Classification: Uncertain significance. Last evaluated: 2022-08-24. Review status: criteria provided, single submitter. Criteria: Invitae Variant Classification Sherloc (09022015). Collection method: clinical testing. Allele origin: germline.
Comment: In summary, the available evidence is currently insufficient to determine the role of this variant in disease. Therefore, it has been classified as a Variant of Uncertain Significance. Algorithms developed to predict the effect of missense changes on protein structure and function (SIFT, PolyPhen-2, Align-GVGD) all suggest that this variant is likely to be tolerated. This variant has not been reported in the literature in individuals affected with RBM10-related conditions. This variant is present in population databases (no rsID available, gnomAD 0.004%). This sequence change replaces proline, which is neutral and non-polar, with leucine, which is neutral and non-polar, at codon 93 of the RBM10 protein (p.Pro93Leu).

NM_005676.5(RBM10):c.278C>T (p.Pro93Leu)

Gene: RBM10 (RNA binding motif protein 10; plus strand). Cytogenetic location: Xp11.3.
Variant type: single nucleotide variant.
Coding change: c.278C>T on transcript NM_005676.5 (MANE Select); coding-DNA position 278, C replaced by T.
Protein change: p.Pro93Leu; replaces proline 93 with leucine.
Molecular consequence: missense variant. On other transcripts: intron variant (2).
Genome position (GRCh38, 1-based): chrX:47,171,104, C>T. VCF-style: chrX-47171104-C-T. GRCh37 (hg19) VCF-style: chrX-47030503-C-T.
Other names: c.278C>T, p.Pro93Leu (NM_001204467.2); c.473C>T, p.Pro158Leu (NM_001204468.2); c.201+1606C>T (NM_001204466.2, NM_152856.3); c.278C>T (NM_005676.4); short protein forms P158L, P93L.
Identifiers: ClinVar variation 2082787 (VCV002082787.5), dbSNP rs933666676, ClinGen allele CA329044014.
Genomic context (GRCh38, chrX:47,171,104, plus strand): 5'-CCCCGGGCTCCGAGACTCAGCGTAGGCGGCGGCGGCGGCACAGGCACAGCCCCACCGGCC[C>T]GCCAGGCTTCCCCCGAGACGGCGACTATCGGGACCAGGACTATCGGACCGAGCAAGGGGA-3'
Protein context (NP_005667.2, residues 83-103): RRRHRHSPTG[Pro93Leu]PGFPRDGDYR